The following is an entry in ClinVar:

ClinVar aggregate classification (germline): Uncertain significance (1 of 4 stars; one submission).

Allele frequency attached by ClinVar (database versions not stated): gnomAD 0.00001; TOPMed 0.00001; gnomAD exomes 0.00002.
gnomAD v4.1: 32 of 1,614,006 alleles (0.002%); highest among the groups gnomAD compares: Non-Finnish European, 0.0027%; no homozygotes.

Submission:

Labcorp Genetics (formerly Invitae), Labcorp
Classification: Uncertain significance. Last evaluated: 2022-05-29. Review status: criteria provided, single submitter. Criteria: Invitae Variant Classification Sherloc (09022015). Collection method: clinical testing. Allele origin: germline.
Comment: This sequence change replaces threonine, which is neutral and polar, with isoleucine, which is neutral and non-polar, at codon 1508 of the CCDC88A protein (p.Thr1508Ile). This variant is not present in population databases (gnomAD no frequency). This variant has not been reported in the literature in individuals affected with CCDC88A-related conditions. Algorithms developed to predict the effect of missense changes on protein structure and function are either unavailable or do not agree on the potential impact of this missense change (SIFT: "Deleterious"; PolyPhen-2: "Benign"; Align-GVGD: "Class C0"). In summary, the available evidence is currently insufficient to determine the role of this variant in disease. Therefore, it has been classified as a Variant of Uncertain Significance.

NM_001365480.1(CCDC88A):c.4526C>T (p.Thr1509Ile)

Gene: CCDC88A (coiled-coil and HOOK domain protein 88A; minus strand). Cytogenetic location: 2p16.1.
Variant type: single nucleotide variant.
Coding change: c.4526C>T on transcript NM_001365480.1 (MANE Select); coding-DNA position 4526, C replaced by T.
Protein change: p.Thr1509Ile; replaces threonine 1509 with isoleucine.
Molecular consequence: missense variant.
Genome position (GRCh38, 1-based): chr2:55,302,018, G>A on the plus strand (C>T on the coding strand, the complement: CCDC88A is on the minus strand). VCF-style: chr2-55302018-G-A. GRCh37 (hg19) VCF-style: chr2-55529154-G-A.
Other names: c.4523C>T, p.Thr1508Ile (NM_001135597.2, NM_001254943.2); c.4442C>T, p.Thr1481Ile (NM_018084.5); short protein forms T1508I, T1481I, T1509I.
Identifiers: ClinVar variation 1966225 (VCV001966225.5), dbSNP rs1473118010, ClinGen allele CA346913896.